The following is an entry in ClinVar:

ClinVar aggregate classification (germline): Uncertain significance (1 of 4 stars; one submission).

Conditions:
Inborn genetic diseases. Identifiers: MedGen C0950123, MeSH D030342.

Submission:

Ambry Genetics
Classification: Uncertain significance for Inborn genetic diseases. Last evaluated: 2021-05-26. Review status: criteria provided, single submitter. Criteria: Ambry Variant Classification Scheme 2023. Collection method: clinical testing. Allele origin: germline.
Comment: The p.F1650S variant (also known as c.4949T>C), located in coding exon 26 of the SCN9A gene, results from a T to C substitution at nucleotide position 4949. The phenylalanine at codon 1650 is replaced by serine, an amino acid with highly dissimilar properties. This amino acid position is highly conserved in available vertebrate species. In addition, this alteration is predicted to be deleterious by in silico analysis. Since supporting evidence is limited at this time, the clinical significance of this alteration remains unclear.

NM_001365536.1(SCN9A):c.4982T>C (p.Phe1661Ser)

Genes: SCN1A-AS1 (SCN1A and SCN9A antisense RNA 1; plus strand), SCN9A (sodium voltage-gated channel alpha subunit 9; minus strand). Cytogenetic location: 2q24.3.
Variant type: single nucleotide variant.
Coding change: c.4982T>C on transcript NM_001365536.1 (MANE Select); coding-DNA position 4982, T replaced by C.
Protein change: p.Phe1661Ser; replaces phenylalanine 1661 with serine.
Molecular consequence: missense variant. On other transcripts: non-coding transcript variant (1).
Genome position (GRCh38, 1-based): chr2:166,199,657, A>G on the plus strand (T>C on the coding strand, the complement: SCN9A is on the minus strand). VCF-style: chr2-166199657-A-G. GRCh37 (hg19) VCF-style: chr2-167056167-A-G.
Other names: c.4949T>C, p.Phe1650Ser (NM_002977.4); short protein forms F1661S, F1650S.
Identifiers: ClinVar variation 1744307 (VCV001744307.2), dbSNP rs2468878421, ClinGen allele CA349054989.
Genomic context (GRCh38, chr2:166,199,657, plus strand): 5'-AAATTGAACATGTCATTAATTCCATCTTCCTTTTTAACATAGGCAAAGTTGGACATTCCA[A>G]AGATGGCGTAGATGAACATGACCAGGAAGAGCAGGAGGCCGATGTTAAACAACGCAGGAA-3'
Protein context (NP_001352465.1, residues 1651-1671): LFLVMFIYAI[Phe1661Ser]GMSNFAYVKK